The following is an entry in ClinVar:

NM_004006.3(DMD):c.4019T>C (p.Ile1340Thr)

Gene: DMD (dystrophin; minus strand). Cytogenetic location: Xp21.1.
Variant type: single nucleotide variant.
Coding change: c.4019T>C on transcript NM_004006.3 (MANE Select); coding-DNA position 4019, T replaced by C.
Protein change: p.Ile1340Thr; replaces isoleucine 1340 with threonine.
Molecular consequence: missense variant.
Genome position (GRCh38, 1-based): chrX:32,438,293, A>G on the plus strand (T>C on the coding strand, the complement: DMD is on the minus strand). VCF-style: chrX-32438293-A-G. GRCh37 (hg19) VCF-style: chrX-32456410-A-G.
Other names: c.3995T>C, p.Ile1332Thr (NM_000109.4); c.4007T>C, p.Ile1336Thr (NM_004009.3); c.3650T>C, p.Ile1217Thr (NM_004010.3); short protein forms I1217T, I1340T, I1336T, I1332T.
Identifiers: ClinVar variation 1901970 (VCV001901970.7), dbSNP rs1280237734, ClinGen allele CA412669314.

ClinVar aggregate classification (germline): Conflicting classifications of pathogenicity. Review status: criteria provided, conflicting classifications (1 of 4 stars). 2 submissions from 2 submitters: Uncertain significance (1); Likely benign (1). Last evaluated 2024-01-17.

Conditions:
Duchenne muscular dystrophy (DMD). Also called: MUSCULAR DYSTROPHY, PSEUDOHYPERTROPHIC PROGRESSIVE, DUCHENNE TYPE; Duchenne Muscular Dystrophy (DMD). Identifiers: Orphanet 98896, MedGen C0013264, MONDO:0010679, OMIM 310200.
Cardiovascular phenotype. Identifiers: MedGen CN230736.

Allele frequency attached by ClinVar (database versions not stated): TOPMed below 0.00001; gnomAD 0.00001.
gnomAD v4.1: 1 of 1,209,736 alleles (0.000083%); highest among the groups gnomAD compares: African/African-American, 0.0017%; no homozygotes.

Submissions (2):

Labcorp Genetics (formerly Invitae), Labcorp
Classification: Likely benign for Duchenne muscular dystrophy. Last evaluated: 2024-01-17. Review status: criteria provided, single submitter. Criteria: Invitae Variant Classification Sherloc (09022015). Collection method: clinical testing. Allele origin: germline.

Ambry Genetics
Classification: Uncertain significance for Cardiovascular phenotype. Last evaluated: 2023-06-06. Review status: criteria provided, single submitter. Criteria: Ambry Variant Classification Scheme 2023. Collection method: clinical testing. Allele origin: germline.
Comment: The p.I1340T variant (also known as c.4019T>C), located in coding exon 29 of the DMD gene, results from a T to C substitution at nucleotide position 4019. The isoleucine at codon 1340 is replaced by threonine, an amino acid with similar properties. Based on data from gnomAD, the C allele has an overall frequency of 0.0045% (1/22025) total alleles studied, with 1 hemizygote(s) observed. The highest observed frequency was 0.0168% (1/5935) of African alleles. This amino acid position is highly conserved in available vertebrate species. In addition, this alteration is predicted to be deleterious by in silico analysis. Since supporting evidence is limited at this time, the clinical significance of this alteration remains unclear.